The following is an entry in ClinVar:

ClinVar aggregate classification (germline): Uncertain significance (1 of 4 stars; one submission).

Submission:

Ambry Genetics
Classification: Uncertain significance. Last evaluated: 2021-10-13. Review status: criteria provided, single submitter. Criteria: Ambry Variant Classification Scheme 2023. Collection method: clinical testing. Allele origin: germline.
Comment: The p.H222D variant (also known as c.664C>G), located in coding exon 3 of the ALPK2 gene, results from a C to G substitution at nucleotide position 664. The histidine at codon 222 is replaced by aspartic acid, an amino acid with similar properties. This amino acid position is conserved. In addition, this alteration is predicted to be tolerated by in silico analysis. Since supporting evidence is limited at this time, the clinical significance of this alteration remains unclear.

NM_052947.4(ALPK2):c.664C>G (p.His222Asp)

Gene: ALPK2 (alpha kinase 2; minus strand). Cytogenetic location: 18q21.31.
Variant type: single nucleotide variant.
Coding change: c.664C>G on transcript NM_052947.4 (MANE Select); coding-DNA position 664, C replaced by G.
Protein change: p.His222Asp; replaces histidine 222 with aspartic acid.
Molecular consequence: missense variant.
Genome position (GRCh38, 1-based): chr18:58,580,112, G>C on the plus strand (C>G on the coding strand, the complement: ALPK2 is on the minus strand). VCF-style: chr18-58580112-G-C. GRCh37 (hg19) VCF-style: chr18-56247344-G-C.
Other names: short protein forms H222D.
Identifiers: ClinVar variation 1754678 (VCV001754678.2), dbSNP rs2518899983, ClinGen allele CA402567487.